The following is an entry in ClinVar:

NM_001083962.2(TCF4):c.1721A>T (p.Asn574Ile)

Gene: TCF4 (transcription factor 4; minus strand). Cytogenetic location: 18q21.2.
Variant type: single nucleotide variant.
Coding change: c.1721A>T on transcript NM_001083962.2 (MANE Select); coding-DNA position 1721, A replaced by T.
Protein change: p.Asn574Ile; replaces asparagine 574 with isoleucine.
Molecular consequence: missense variant.
Genome position (GRCh38, 1-based): chr18:55,229,005, T>A on the plus strand (A>T on the coding strand, the complement: TCF4 is on the minus strand). VCF-style: chr18-55229005-T-A. GRCh37 (hg19) VCF-style: chr18-52896236-T-A.
Other names: c.1709A>T, p.Asn570Ile (NM_003199.3, NM_001369571.1, NM_001369572.1); c.2027A>T, p.Asn676Ile (NM_001243226.3); c.1649A>T, p.Asn550Ile (NM_001243227.2, NM_001348217.1, NM_001348218.2 and 1 more transcripts); c.1739A>T, p.Asn580Ile (NM_001243228.2); c.1700A>T, p.Asn567Ile (NM_001243230.2); c.1583A>T, p.Asn528Ile (NM_001243231.2); c.1595A>T, p.Asn532Ile (NM_001348211.2); c.1319A>T, p.Asn440Ile (NM_001348212.2, NM_001243233.2); and 14 more; short protein forms N358I, N499I, N550I, N567I, N570I, N409I, N414I, N444I.
Identifiers: ClinVar variation 3653311 (VCV003653311.2).
Genomic context (GRCh38, chr18:55,229,005, plus strand): 5'-ATGCGGCCGAGCTCTTTGAAAGCCTCGTTGATGTCACGGACCCGCAGACGCTCTCGGGCA[T>A]TGTTGGCCATCCTCCGCTCCTTCTCACGCTCTGCCTTCTGCTCTGGTGTCAGGTCCTCAT-3'
Protein context (NP_001077431.1, residues 564-584): EREKERRMAN[Asn574Ile]ARERLRVRDI

ClinVar aggregate classification (germline): Likely pathogenic (1 of 4 stars; one submission).

Conditions:
Pitt-Hopkins syndrome (PTHS). Also called: ENCEPHALOPATHY, SEVERE EPILEPTIC, WITH AUTONOMIC DYSFUNCTION; MENTAL RETARDATION, SYNDROMAL, WITH INTERMITTENT HYPERVENTILATION. Identifiers: Orphanet 2896, MedGen C1970431, MONDO:0012589, OMIM 610954.

Submission:

Labcorp Genetics (formerly Invitae), Labcorp
Classification: Likely pathogenic for Pitt-Hopkins syndrome. Last evaluated: 2024-05-22. Review status: criteria provided, single submitter. Criteria: Invitae Variant Classification Sherloc (09022015). Collection method: clinical testing. Allele origin: germline.
Comment: This sequence change replaces asparagine, which is neutral and polar, with isoleucine, which is neutral and non-polar, at codon 574 of the TCF4 protein (p.Asn574Ile). This variant is not present in population databases (gnomAD no frequency). This variant has not been reported in the literature in individuals affected with TCF4-related conditions. Advanced modeling of protein sequence and biophysical properties (such as structural, functional, and spatial information, amino acid conservation, physicochemical variation, residue mobility, and thermodynamic stability) performed at Invitae indicates that this missense variant is expected to disrupt TCF4 protein function with a positive predictive value of 95%. This variant disrupts the p.Asn574 amino acid residue in TCF4. Other variant(s) that disrupt this residue have been determined to be pathogenic (Invitae). This suggests that this residue is clinically significant, and that variants that disrupt this residue are likely to be disease-causing. In summary, the currently available evidence indicates that the variant is pathogenic, but additional data are needed to prove that conclusively. Therefore, this variant has been classified as Likely Pathogenic.